The following is an entry in ClinVar:

NM_000350.3(ABCA4):c.182T>C (p.Met61Thr)

Gene: ABCA4 (ATP binding cassette subfamily A member 4; minus strand). Cytogenetic location: 1p22.1.
Variant type: single nucleotide variant.
Coding change: c.182T>C on transcript NM_000350.3 (MANE Select); coding-DNA position 182, T replaced by C.
Protein change: p.Met61Thr; replaces methionine 61 with threonine.
Molecular consequence: missense variant.
Genome position (GRCh38, 1-based): chr1:94,111,558, A>G on the plus strand (T>C on the coding strand, the complement: ABCA4 is on the minus strand). VCF-style: chr1-94111558-A-G. GRCh37 (hg19) VCF-style: chr1-94577114-A-G.
Other names: c.182T>C, p.Met61Thr (NM_001425324.1); short protein forms M61T.
Identifiers: ClinVar variation 1928109 (VCV001928109.5), dbSNP rs2524008053, ClinGen allele CA341285600.

ClinVar aggregate classification (germline): Pathogenic (1 of 4 stars; one submission).

Allele frequency attached by ClinVar (database versions not stated): gnomAD exomes below 0.00001.
gnomAD v4.1: 1 of 1,614,254 alleles (0.000062%); highest among the groups gnomAD compares: Admixed American, 0.0017%; no homozygotes.

Submission:

Labcorp Genetics (formerly Invitae), Labcorp
Classification: Pathogenic. Last evaluated: 2022-11-01. Review status: criteria provided, single submitter. Criteria: Invitae Variant Classification Sherloc (09022015). Collection method: clinical testing. Allele origin: germline.
Comment: This variant is not present in population databases (gnomAD no frequency). This sequence change replaces methionine, which is neutral and non-polar, with threonine, which is neutral and polar, at codon 61 of the ABCA4 protein (p.Met61Thr). This missense change has been observed in individual(s) with Stargardt disease (PMID: 32036094). For these reasons, this variant has been classified as Pathogenic. This variant disrupts the p.Met61 amino acid residue in ABCA4. Other variant(s) that disrupt this residue have been determined to be pathogenic (PMID: 29925512; Invitae). This suggests that this residue is clinically significant, and that variants that disrupt this residue are likely to be disease-causing. Advanced modeling of protein sequence and biophysical properties (such as structural, functional, and spatial information, amino acid conservation, physicochemical variation, residue mobility, and thermodynamic stability) performed at Invitae indicates that this missense variant is expected to disrupt ABCA4 protein function.

Literature cited by the submitters: PubMed 32036094; PubMed 29925512.